The following is an entry in ClinVar:

ClinVar aggregate classification (germline): Uncertain significance (1 of 4 stars; one submission).

Conditions:
GNE myopathy (NM). Also called: MYOPATHY, DISTAL, WITH OR WITHOUT RIMMED VACUOLES; IBM 2; Inclusion body myopathy autosomal recessive; Inclusion body myopathy quadriceps sparing; NONAKA DISTAL MYOPATHY; INCLUSION BODY MYOPATHY, HEREDITARY, AUTOSOMAL RECESSIVE. Identifiers: Orphanet 602, MedGen C1853926, MONDO:0011603, OMIM 605820.
Sialuria. Also called: Sialic Acid Storage Disease; SIALURIA, FRENCH TYPE. Identifiers: Orphanet 3166, MedGen C0342853, MONDO:0010028, OMIM 269921.

Allele frequency attached by ClinVar (database versions not stated): TOPMed below 0.00001; gnomAD 0.00001.

Submission:

Labcorp Genetics (formerly Invitae), Labcorp
Classification: Uncertain significance for Sialuria; GNE myopathy. Last evaluated: 2025-05-23. Review status: criteria provided, single submitter. Criteria: Invitae Variant Classification Sherloc (09022015). Collection method: clinical testing. Allele origin: germline.
Comment: This sequence change replaces methionine, which is neutral and non-polar, with isoleucine, which is neutral and non-polar, at codon 229 of the GNE protein (p.Met229Ile). This variant is not present in population databases (gnomAD no frequency). This variant has not been reported in the literature in individuals affected with GNE-related conditions. ClinVar contains an entry for this variant (Variation ID: 1462382). Invitae Evidence Modeling of protein sequence and biophysical properties (such as structural, functional, and spatial information, amino acid conservation, physicochemical variation, residue mobility, and thermodynamic stability) has been performed for this missense variant. However, the output from this modeling did not meet the statistical confidence thresholds required to predict the impact of this variant on GNE protein function. In summary, the available evidence is currently insufficient to determine the role of this variant in disease. Therefore, it has been classified as a Variant of Uncertain Significance.

NM_005476.7(GNE):c.594G>A (p.Met198Ile)

Gene: GNE (glucosamine (UDP-N-acetyl)-2-epimerase/N-acetylmannosamine kinase; minus strand). Cytogenetic location: 9p13.3.
Variant type: single nucleotide variant.
Coding change: c.594G>A on transcript NM_005476.7 (MANE Select); coding-DNA position 594, G replaced by A.
Protein change: p.Met198Ile; replaces methionine 198 with isoleucine.
Molecular consequence: missense variant.
Genome position (GRCh38, 1-based): chr9:36,246,053, C>T on the plus strand (G>A on the coding strand, the complement: GNE is on the minus strand). VCF-style: chr9-36246053-C-T. GRCh37 (hg19) VCF-style: chr9-36246050-C-T.
Other names: c.687G>A, p.Met229Ile (NM_001128227.3); c.594G>A, p.Met198Ile (NM_001190383.3, NM_001374797.1); c.417G>A, p.Met139Ile (NM_001190384.3, NM_001190388.2, NM_001374798.1); short protein forms M139I, M229I, M198I.
Identifiers: ClinVar variation 1462382 (VCV001462382.8), dbSNP rs1587339231, ClinGen allele CA373418006.